The following is an entry in ClinVar:

ClinVar aggregate classification (germline): Uncertain significance. Review status: reviewed by expert panel (3 of 4 stars). 4 submissions from 4 submitters: Uncertain significance (1). 3 of the submissions do not count toward it. Last evaluated 2023-12-15.

Conditions:
Very long chain acyl-CoA dehydrogenase deficiency (ACADVLD). Also called: Very Long-Chain Acyl-Coenzyme A Dehydrogenase Deficiency; VLCAD Deficiency. Identifiers: Orphanet 26793, MedGen C3887523, MONDO:0008723, OMIM 201475.

Allele frequency attached by ClinVar (database versions not stated): gnomAD 0.00005 and 0.00006; TOPMed 0.00005; gnomAD exomes 0.00009 and 0.00012; ExAC 0.00011.

Submissions (4):

ClinGen ACADVL Variant Curation Expert Panel, ClinGen
Classification: Uncertain significance for Very long chain acyl-CoA dehydrogenase deficiency. Last evaluated: 2023-12-15. Review status: reviewed by expert panel. Criteria: clingen acadvl acmg specifications v1. Collection method: curation. Allele origin: germline. Inheritance: Autosomal recessive inheritance.
Comment: The c.62+18G>A (NM_000018.4) variant in ACADVL is an intronic variant which is located in intron 1 on a weakly conserved nucleotide. The highest population minor allele frequency in gnomAD v2.1.1 is 0.0002 in Admixed American population, which is lower than the ClinGen ACADVL Variant Curation Expert Panel threshold (<0.001) for PM2_Supporting, meeting this criterion (PM2_Supporting). The results from in silico splicing predictors (SpliceSiteFinder and MaxEntScn) support that this variant does not affect splicing (BP4). Due to limited evidence, this variant is classified as a variant of uncertain significance for autosomal recessive very long chain acyl-CoA dehydrogenase (VLCAD) deficiency based on the ACMG/AMP criteria applied, as specified by the ClinGen ACADVL Variant Curation Expert Panel: PM2_Supporting, BP4 (ACADVL VCEP specifications version 1; approved November 9, 2021).

Labcorp Genetics (formerly Invitae), Labcorp
Classification: Likely benign for Very long chain acyl-CoA dehydrogenase deficiency. Last evaluated: 2026-01-14. Review status: criteria provided, single submitter. Criteria: Invitae Variant Classification Sherloc (09022015). Collection method: clinical testing. Allele origin: germline. Not counted in ClinVar's aggregate classification.

Wong Mito Lab, Molecular and Human Genetics, Baylor College of Medicine
Classification: Uncertain significance for Very long chain acyl-CoA dehydrogenase deficiency. Last evaluated: 2019-11-01. Review status: criteria provided, single submitter. Criteria: ACMG Guidelines, 2015. Collection method: clinical testing. Allele origin: germline. Not counted in ClinVar's aggregate classification.
Comment: The NM_000018.3:c.62+18G>A (NP_000009.1:p.?) [GRCH38: NC_000017.11:g.7220064G>A] variant in ACADVL gene is interpretated to be Uncertain Significance based on ACMG guidelines (PMID: 25741868). This variant has been reported. This variant dose not meet any evidence codes reported in the ACMG guidelines.

Counsyl
Classification: Likely benign for Very long chain acyl-CoA dehydrogenase deficiency. Last evaluated: 2017-12-08. Review status: no assertion criteria provided. Collection method: clinical testing. Allele origin: unknown. Not counted in ClinVar's aggregate classification.

NM_000018.4(ACADVL):c.62+18G>A

Genes: ACADVL (acyl-CoA dehydrogenase very long chain; plus strand), LOC130060113 (ATAC-STARR-seq lymphoblastoid silent region 8088; plus strand). Cytogenetic location: 17p13.1.
Variant type: single nucleotide variant.
Coding change: c.62+18G>A on transcript NM_000018.4 (MANE Select); 18 bases into the intron after coding-DNA position 62, G replaced by A.
Molecular consequence: intron variant. On other transcripts: 5 prime UTR variant (1).
Genome position (GRCh38, 1-based): chr17:7,220,064, G>A. VCF-style: chr17-7220064-G-A. GRCh37 (hg19) VCF-style: chr17-7123383-G-A.
Other names: c.-224G>A (NM_001270448.2); c.132-58G>A (NM_001270447.2); c.62+18G>A (NM_001033859.3).
Identifiers: ClinVar variation 555394 (VCV000555394.15), dbSNP rs780776419, ClinGen allele CA8337527.
Genomic context (GRCh38, chr17:7,220,064, plus strand): 5'-CCGCGAGCTTGGGGCGGCAGCTGCTGAGGCTCGGGGGCGGAAGGTCTGTGTGTGACAAGA[G>A]GGACGGTGGGCAGCGGCCCTGGGCACCGGGCCGGCACTGAACCCCCACTCCCCACAGCTC-3'